The following is an entry in ClinVar:

NM_031229.4(RBCK1):c.1029G>A (p.Ala343=)

Gene: RBCK1 (RANBP2-type and C3HC4-type zinc finger containing 1; plus strand). Cytogenetic location: 20p13.
Variant type: single nucleotide variant.
Coding change: c.1029G>A on transcript NM_031229.4 (MANE Select); coding-DNA position 1029, G replaced by A.
Protein change: p.Ala343=; no amino-acid change (alanine 343 retained).
Molecular consequence: synonymous variant. On other transcripts: non-coding transcript variant (1).
Genome position (GRCh38, 1-based): chr20:422,238, G>A. VCF-style: chr20-422238-G-A. GRCh37 (hg19) VCF-style: chr20-402882-G-A.
Other names: c.519G>A, p.Ala173= (NM_001323956.2, NM_001323958.2); c.903G>A, p.Ala301= (NM_006462.6).
Identifiers: ClinVar variation 541947 (VCV000541947.8), dbSNP rs201470953, ClinGen allele CA9723252.
Genomic context (GRCh38, chr20:422,238, plus strand): 5'-CCCCTTCATTGACAACACCTACTCGTGCTCGGGCAAGCTGCTGGAGAGGGAGATCAAGGC[G>A]GTAAGGCCTCAGGGTGGGAGACATACCCCAAGTCCCAACTCCTAAGGAACTGGGCCCTGA-3'
Protein context (NP_112506.2, residues 333-353): SGKLLEREIK[Ala343=]LLTPEDYQRF

ClinVar aggregate classification (germline): Uncertain significance. Review status: criteria provided, multiple submitters, no conflicts (2 of 4 stars). 2 submissions from 2 submitters: Uncertain significance (2). Last evaluated 2022-08-06.

Conditions:
Polyglucosan body myopathy type 1 (PGBM1). Also called: Polyglucosan body myopathy 1 with or without immunodeficiency; POLYGLUCOSAN BODY MYOPATHY WITHOUT IMMUNODEFICIENCY. Identifiers: Orphanet 329173, Orphanet 397937, MedGen C4014605, MONDO:0014389, OMIM 615895.

Allele frequency attached by ClinVar (database versions not stated): 1000 Genomes Project 0.00020; gnomAD 0.00006; TOPMed 0.00008; ExAC 0.00009; gnomAD exomes 0.00003 and 0.00011; 1000 Genomes Project 30x 0.00031.
gnomAD v4.1: 61 of 1,613,278 alleles (0.0038%); highest among the groups gnomAD compares: Admixed American, 0.045%; no homozygotes.

Submissions (3):

Labcorp Genetics (formerly Invitae), Labcorp
Classification: Uncertain significance for Polyglucosan body myopathy type 1. Last evaluated: 2022-08-06. Review status: criteria provided, single submitter. Criteria: Invitae Variant Classification Sherloc (09022015). Collection method: clinical testing. Allele origin: germline.
Comment: This sequence change affects codon 343 of the RBCK1 mRNA. It is a 'silent' change, meaning that it does not change the encoded amino acid sequence of the RBCK1 protein. This variant also falls at the last nucleotide of exon 8, which is part of the consensus splice site for this exon. This variant is present in population databases (rs201470953, gnomAD 0.07%). This variant has not been reported in the literature in individuals affected with RBCK1-related conditions. ClinVar contains an entry for this variant (Variation ID: 541947). Variants that disrupt the consensus splice site are a relatively common cause of aberrant splicing (PMID: 17576681, 9536098). Algorithms developed to predict the effect of sequence changes on RNA splicing suggest that this variant may create or strengthen a splice site. In summary, the available evidence is currently insufficient to determine the role of this variant in disease. Therefore, it has been classified as a Variant of Uncertain Significance.

Fulgent Genetics
Classification: Uncertain significance for Polyglucosan body myopathy type 1. Last evaluated: 2021-11-12. Review status: criteria provided, single submitter. Criteria: ACMG Guidelines, 2015. Collection method: clinical testing. Allele origin: unknown.

Dr. Peter K. Rogan Lab, Western University
No classification provided (evidence only). Condition: Melanoma. Review status: no classification provided. Collection method: in vitro. Allele origin: not applicable. Functional consequence: retained intron. Not counted in ClinVar's aggregate classification.

Literature cited by the submitters: PubMed 17576681 (cited by Labcorp Genetics (formerly Invitae), Labcorp); PubMed 9536098 (cited by Labcorp Genetics (formerly Invitae), Labcorp).